The following is an entry in ClinVar:

NM_000834.5(GRIN2B):c.*1G>C

Gene: GRIN2B (glutamate ionotropic receptor NMDA type subunit 2B; minus strand). Cytogenetic location: 12p13.1.
Variant type: single nucleotide variant.
Coding change: c.*1G>C on transcript NM_000834.5 (MANE Select); 1 bases downstream of the stop codon, G replaced by C.
Molecular consequence: 3 prime UTR variant.
Genome position (GRCh38, 1-based): chr12:13,562,782, C>G on the plus strand (G>C on the coding strand, the complement: GRIN2B is on the minus strand). VCF-style: chr12-13562782-C-G. GRCh37 (hg19) VCF-style: chr12-13715716-C-G.
Other names: c.*1G>C (NM_001413992.1).
Identifiers: ClinVar variation 3895584 (VCV003895584.1).

ClinVar aggregate classification (germline): Uncertain significance (1 of 4 stars; one submission).

gnomAD v4.1: 3 of 1,612,784 alleles (0.00019%); highest among the groups gnomAD compares: Non-Finnish European, 0.00025%; no homozygotes.

Submission:

Women's Health and Genetics/Laboratory Corporation of America, LabCorp
Classification: Uncertain significance. Last evaluated: 2025-03-17. Review status: criteria provided, single submitter. Criteria: LabCorp Variant Classification Summary - May 2015. Collection method: clinical testing. Allele origin: germline.
Comment: Variant summary: GRIN2B c.*1G>C is located in the untranslated mRNA region downstream of the termination codon. The variant allele was found at a frequency of 8e-06 in 251496 control chromosomes. The available data on variant occurrences in the general population are insufficient to allow any conclusion about variant significance. To our knowledge, no occurrence of c.*1G>C in individuals affected with Mental Retardation, Autosomal Dominant 6 and no experimental evidence demonstrating its impact on protein function have been reported. No submitters have cited clinical-significance assessments for this variant to ClinVar. Based on the evidence outlined above, the variant was classified as uncertain significance.